The following is an entry in ClinVar:

NM_013339.4(ALG6):c.232del (p.Tyr78fs)

Gene: ALG6 (ALG6 alpha-1,3-glucosyltransferase; plus strand). Cytogenetic location: 1p31.3.
Variant type: Deletion.
Coding change: c.232del on transcript NM_013339.4 (MANE Select); coding-DNA position 232, one base deleted (T; older notation c.232delT).
Protein change: p.Tyr78fs; shifts the reading frame from tyrosine 78.
Molecular consequence: frameshift variant.
Genome position (GRCh38, 1-based): chr1:63,402,318, T deleted; the last of 2 consecutive T bases (chr1:63,402,317-63,402,318); deleting either gives the same sequence. VCF-style (leftmost placement, unchanged base first): chr1-63402316-CT-C. GRCh37 (hg19) VCF-style: chr1-63867987-CT-C.
Other names: short protein forms Y78fs.
Identifiers: ClinVar variation 1725868 (VCV001725868.2), dbSNP rs2523723541, ClinGen allele CA2580063140.

ClinVar aggregate classification (germline): Likely pathogenic (1 of 4 stars; one submission).

Conditions:
ALG6-congenital disorder of glycosylation 1C (CDG1C). Also called: CARBOHYDRATE-DEFICIENT GLYCOPROTEIN SYNDROME, TYPE I, WITH DEFICIENT GLYCOSYLATION OF DOLICHOL-LINKED OLIGOSACCHARIDE; CARBOHYDRATE-DEFICIENT GLYCOPROTEIN SYNDROME, TYPE V; Congenital disorder of glycosylation type 1C; CDG Ic; Congenital disorder of glycosylation, type Ic. Identifiers: Orphanet 79320, MedGen C2930997, MONDO:0011291, OMIM 603147.

Submission:

Myriad Genetics, Inc.
Classification: Likely pathogenic for ALG6-congenital disorder of glycosylation 1C. Last evaluated: 2022-04-04. Review status: criteria provided, single submitter. Criteria: Myriad Women's Health Autosomal Recessive and X-Linked Classification Criteria (2021). Collection method: clinical testing. Allele origin: unknown.
Comment: NM_013339.3(ALG6):c.232delT(Y78Ifs*13) is expected to be pathogenic in the context of congenital disorder of glycosylation type Ic. This variant is predicted to lead to an abnormal or absent protein product due to the creation of a premature termination codon in ALG6, a gene where loss-of-function variants are known to be pathogenic. Please note: this variant was assessed in the context of healthy population screening.